The following is an entry in ClinVar:

NM_001079802.2(FKTN):c.401G>T (p.Gly134Val)

Gene: FKTN (fukutin; plus strand). Cytogenetic location: 9q31.2.
Variant type: single nucleotide variant.
Coding change: c.401G>T on transcript NM_001079802.2 (MANE Select); coding-DNA position 401, G replaced by T.
Protein change: p.Gly134Val; replaces glycine 134 with valine.
Molecular consequence: missense variant. On other transcripts: non-coding transcript variant (2).
Genome position (GRCh38, 1-based): chr9:105,604,246, G>T. VCF-style: chr9-105604246-G-T. GRCh37 (hg19) VCF-style: chr9-108366527-G-T.
Other names: c.401G>T, p.Gly134Val (NM_001198963.2, NM_001351496.2, NM_001351498.2 and 1 more transcripts); c.332G>T, p.Gly111Val (NM_001351497.2); c.5G>T, p.Gly2Val (NM_001351499.2, NM_001351500.2, NM_001351501.2 and 1 more transcripts); short protein forms G111V, G134V, G2V.
Identifiers: ClinVar variation 1469063 (VCV001469063.8), dbSNP rs2132791726, ClinGen allele CA374331924.

ClinVar aggregate classification (germline): Uncertain significance (1 of 4 stars; one submission).

Conditions:
Walker-Warburg congenital muscular dystrophy. Also called: Muscular dystrophy-dystroglycanopathy, type A; Walker-Warburg syndrome. Identifiers: Orphanet 899, MedGen C0265221, MONDO:0000171.

Submission:

Labcorp Genetics (formerly Invitae), Labcorp
Classification: Uncertain significance for Walker-Warburg congenital muscular dystrophy. Last evaluated: 2021-04-04. Review status: criteria provided, single submitter. Criteria: Invitae Variant Classification Sherloc (09022015). Collection method: clinical testing. Allele origin: germline.
Comment: Algorithms developed to predict the effect of sequence changes on RNA splicing suggest that this variant may create or strengthen a splice site, but this prediction has not been confirmed by published transcriptional studies. In summary, the available evidence is currently insufficient to determine the role of this variant in disease. Therefore, it has been classified as a Variant of Uncertain Significance. Algorithms developed to predict the effect of missense changes on protein structure and function are either unavailable or do not agree on the potential impact of this missense change (SIFT: "Tolerated"; PolyPhen-2: "Probably Damaging"; Align-GVGD: "Class C15"). This sequence change replaces glycine with valine at codon 134 of the FKTN protein (p.Gly134Val). The glycine residue is highly conserved and there is a moderate physicochemical difference between glycine and valine. This variant is not present in population databases (ExAC no frequency). This variant has not been reported in the literature in individuals with FKTN-related conditions.